The following is an entry in ClinVar:

ClinVar aggregate classification (germline): Conflicting classifications of pathogenicity. Review status: criteria provided, conflicting classifications (1 of 4 stars). 3 submissions from 3 submitters: Likely pathogenic (1); Uncertain significance (2). Last evaluated 2025-11-11.

Conditions:
Mucopolysaccharidosis, MPS-II (MPS2). Also called: Mucopolysaccharidosis Type II; Mucopolysaccharidosis type 2; Attenuated MPS (subtype; formerly known as mild MPS II); Severe MPS II; I2S deficiency; MPS 2. Identifiers: Orphanet 580, Orphanet 79388, MedGen C0026705, MONDO:0010674, OMIM 309900.

Submissions (3):

Myriad Genetics, Inc.
Classification: Uncertain significance for Mucopolysaccharidosis, MPS-II. Last evaluated: 2025-11-11. Review status: criteria provided, single submitter. Criteria: Myriad Autosomal Dominant, Autosomal Recessive and X-Linked Classification Criteria (2023). Collection method: clinical testing. Allele origin: unknown.
Comment: NM_000202.5(IDS):c.866C>T(P289L) is a missense variant classified as a variant of uncertain significance in the context of mucopolysaccharidosis type II. P289L has been observed in a case with relevant disease (PMID: 27246110). Relevant functional assessments of this variant are not available in the literature. P289L has not been observed in referenced population frequency databases. In summary, there is insufficient evidence to classify NM_000202.5(IDS):c.866C>T(P289L) as pathogenic or benign. Please note: this variant was assessed in the context of healthy population screening.

Laboratory of Diagnosis and Therapy of Lysosomal Disorders, University of Padova
Classification: Likely pathogenic for Mucopolysaccharidosis, MPS-II. Last evaluated: 2024-06-07. Review status: criteria provided, single submitter. Criteria: ACMG Guidelines, 2015. Collection method: literature only. Allele origin: germline. Affected: yes. Observed: 1 variant allele.
Comment: Absent from controls (or at low frequency) in gnomAD database (PM2_Moderate), Missense variant in a gene with a low rate of benign missense variation (PP2_Supporting), Multiple lines of computational evidence support a deleterious effect (PP3_Supporting), Patient’s phenotype or family history highly specific for the disease (PP4_Strong)

Classification method: ACMG Guidelines [PMID:25741868] with modifications

Labcorp Genetics (formerly Invitae), Labcorp
Classification: Uncertain significance for Mucopolysaccharidosis, MPS-II. Last evaluated: 2022-02-10. Review status: criteria provided, single submitter. Criteria: Invitae Variant Classification Sherloc (09022015). Collection method: clinical testing. Allele origin: germline.
Comment: This sequence change replaces proline, which is neutral and non-polar, with leucine, which is neutral and non-polar, at codon 289 of the IDS protein (p.Pro289Leu). This variant is not present in population databases (gnomAD no frequency). This missense change has been observed in individual(s) with mucopolysaccharidosis type II (PMID: 27246110). Algorithms developed to predict the effect of missense changes on protein structure and function are either unavailable or do not agree on the potential impact of this missense change (SIFT: "Deleterious"; PolyPhen-2: "Probably Damaging"; Align-GVGD: "Class C15"). In summary, the available evidence is currently insufficient to determine the role of this variant in disease. Therefore, it has been classified as a Variant of Uncertain Significance.

Literature cited by the submitters: PubMed 27246110 (cited by 3 submitters).

NM_000202.8(IDS):c.866C>T (p.Pro289Leu)

Genes: IDS (iduronate 2-sulfatase; minus strand), LOC106050102 (IDS recombination region; plus strand). Cytogenetic location: Xq28.
Variant type: single nucleotide variant.
Coding change: c.866C>T on transcript NM_000202.8 (MANE Select); coding-DNA position 866, C replaced by T.
Protein change: p.Pro289Leu; replaces proline 289 with leucine.
Molecular consequence: missense variant. On other transcripts: non-coding transcript variant (1).
Genome position (GRCh38, 1-based): chrX:149,496,359, G>A on the plus strand (C>T on the coding strand, the complement: IDS is on the minus strand). VCF-style: chrX-149496359-G-A. GRCh37 (hg19) VCF-style: chrX-148577890-G-A.
Other names: c.596C>T, p.Pro199Leu (NM_001166550.4); c.866C>T, p.Pro289Leu (NM_006123.5); short protein forms P289L, P199L.
Identifiers: ClinVar variation 2138750 (VCV002138750.7), dbSNP rs2089436037, ClinGen allele CA414521762.